The following is an entry in ClinVar:

NM_001363711.2(DUOX2):c.3367G>A (p.Ala1123Thr)

Gene: DUOX2 (dual oxidase 2; minus strand). Cytogenetic location: 15q21.1.
Variant type: single nucleotide variant.
Coding change: c.3367G>A on transcript NM_001363711.2 (MANE Select); coding-DNA position 3367, G replaced by A.
Protein change: p.Ala1123Thr; replaces alanine 1123 with threonine.
Molecular consequence: missense variant.
Genome position (GRCh38, 1-based): chr15:45,099,710, C>T on the plus strand (G>A on the coding strand, the complement: DUOX2 is on the minus strand). VCF-style: chr15-45099710-C-T. GRCh37 (hg19) VCF-style: chr15-45391908-C-T.
Other names: c.3367G>A, p.Ala1123Thr (NM_014080.5); short protein forms A1123T.
Identifiers: ClinVar variation 779835 (VCV000779835.16), dbSNP rs113632824, ClinGen allele CA7537902.

ClinVar aggregate classification (germline): Conflicting classifications of pathogenicity. Review status: criteria provided, conflicting classifications (1 of 4 stars). 4 submissions from 4 submitters: Uncertain significance (1); Benign (1); Likely benign (1). 1 of the submissions does not count toward it. Last evaluated 2026-01-28.

Conditions:
DUOX2-related disorder. Also called: DUOX2-related condition.
Thyroid dyshormonogenesis 6 (TDH6). Also called: HYPOTHYROIDISM, CONGENITAL, DUE TO DYSHORMONOGENESIS, 6; THYROID HORMONOGENESIS, GENETIC DEFECT IN, 6; Genetic transient congenital hypothyroidism. Identifiers: Orphanet 226316, Orphanet 95716, MedGen C1846632, MONDO:0011792, OMIM 607200.

Allele frequency attached by ClinVar (database versions not stated): TOPMed 0.00419; ESP Exome Variant Server 0.00470; 1000 Genomes Project 0.00479; 1000 Genomes Project 30x 0.00578.
gnomAD v4.1: 1,129 of 1,614,142 alleles (0.07%); highest among the groups gnomAD compares: African/African-American, 1.3%; 6 homozygotes.

Submissions (4):

Labcorp Genetics (formerly Invitae), Labcorp
Classification: Benign. Last evaluated: 2026-01-28. Review status: criteria provided, single submitter. Criteria: Invitae Variant Classification Sherloc (09022015). Collection method: clinical testing. Allele origin: germline.

Blueprint Genetics
Classification: Likely benign. Last evaluated: 2024-11-13. Review status: criteria provided, single submitter. Criteria: ACMG Guidelines, 2015. Collection method: clinical testing. Allele origin: germline.

Illumina Laboratory Services, Illumina
Classification: Uncertain significance for Thyroid dyshormonogenesis 6. Last evaluated: 2017-04-27. Review status: criteria provided, single submitter. Criteria: ICSL Variant Classification Criteria 13 December 2019. Collection method: clinical testing. Allele origin: germline.

PreventionGenetics, part of Exact Sciences
Classification: Likely benign for DUOX2-related condition. Last evaluated: 2024-09-18. Review status: no assertion criteria provided. Collection method: clinical testing. Allele origin: germline. Not counted in ClinVar's aggregate classification.
Comment: This variant is classified as likely benign based on ACMG/AMP sequence variant interpretation guidelines (Richards et al. 2015 PMID: 25741868, with internal and published modifications).